The following is an entry in ClinVar:

NM_000122.2(ERCC3):c.1644C>G (p.Ile548Met)

Gene: ERCC3 (ERCC excision repair 3, TFIIH core complex helicase subunit; minus strand). Cytogenetic location: 2q14.3.
Variant type: single nucleotide variant.
Coding change: c.1644C>G on transcript NM_000122.2 (MANE Select); coding-DNA position 1644, C replaced by G.
Protein change: p.Ile548Met; replaces isoleucine 548 with methionine.
Molecular consequence: missense variant.
Genome position (GRCh38, 1-based): chr2:127,279,259, G>C on the plus strand (C>G on the coding strand, the complement: ERCC3 is on the minus strand). VCF-style: chr2-127279259-G-C. GRCh37 (hg19) VCF-style: chr2-128036835-G-C.
Other names: c.1452C>G, p.Ile484Met (NM_001303416.2, NM_001303418.2); short protein forms I484M, I548M.
Identifiers: ClinVar variation 3343359 (VCV003343359.1).

ClinVar aggregate classification (germline): Uncertain significance (1 of 4 stars; one submission).

Submission:

GeneDx
Classification: Uncertain significance. Last evaluated: 2023-05-10. Review status: criteria provided, single submitter. Criteria: GeneDx Variant Classification Process June 2021. Collection method: clinical testing. Allele origin: germline. Affected: yes.
Comment: Not observed at significant frequency in large population cohorts (gnomAD); In silico analysis supports that this missense variant does not alter protein structure/function; Has not been previously published as pathogenic or benign to our knowledge